The following is an entry in ClinVar:

ClinVar aggregate classification (germline): Uncertain significance (1 of 4 stars; one submission).

Conditions:
CEP85L-related disorder. Also called: CEP85L-related condition.

Submission:

PreventionGenetics, part of Exact Sciences
Classification: Uncertain significance for CEP85L-related condition. Last evaluated: 2023-06-16. Review status: criteria provided, single submitter. Criteria: ACMG Guidelines, 2015. Collection method: clinical testing. Allele origin: germline.
Comment: The CEP85L c.1056T>G variant is predicted to result in the amino acid substitution p.Ser352Arg. To our knowledge, this variant has not been reported in the literature or in a large population database, indicating this variant is rare. At this time, the clinical significance of this variant is uncertain due to the absence of conclusive functional and genetic evidence.

NM_001042475.3(CEP85L):c.1047T>G (p.Ser349Arg)

Gene: CEP85L (centrosomal protein 85 like; minus strand). Cytogenetic location: 6q22.31.
Variant type: single nucleotide variant.
Coding change: c.1047T>G on transcript NM_001042475.3 (MANE Select); coding-DNA position 1047, T replaced by G.
Protein change: p.Ser349Arg; replaces serine 349 with arginine.
Molecular consequence: missense variant.
Genome position (GRCh38, 1-based): chr6:118,523,894, A>C on the plus strand (T>G on the coding strand, the complement: CEP85L is on the minus strand). VCF-style: chr6-118523894-A-C. GRCh37 (hg19) VCF-style: chr6-118845057-A-C.
Other names: c.1056T>G, p.Ser352Arg (NM_001178035.2); c.1047T>G, p.Ser349Arg (NM_206921.3); short protein forms S349R, S352R.
Identifiers: ClinVar variation 2632499 (VCV002632499.1), dbSNP rs2534125288, ClinGen allele CA365542494.